The following is an entry in ClinVar:

ClinVar aggregate classification (germline): Conflicting classifications of pathogenicity. Review status: criteria provided, conflicting classifications (1 of 4 stars). 5 submissions from 5 submitters: Uncertain significance (4); Likely benign (1). Last evaluated 2025-08-24.

Conditions:
Rhabdoid tumor predisposition syndrome 2 (RTPS2). Identifiers: Orphanet 231108, Orphanet 69077, MedGen C2750074, MONDO:0013224, OMIM 613325.
Intellectual disability, autosomal dominant 16 (CSS4). Also called: COFFIN-SIRIS SYNDROME 4. Identifiers: Orphanet 1465, MedGen C3553249, MONDO:0013821, OMIM 614609.
Otosclerosis 12. Identifiers: MedGen C5935610, MONDO:0968980, OMIM 620792.
Hereditary cancer-predisposing syndrome. Also called: Neoplastic Syndromes, Hereditary; Hereditary Cancer Syndrome; Tumor predisposition; Hereditary neoplastic syndrome. Identifiers: Orphanet 140162, MedGen C0027672, MeSH D009386, MONDO:0015356.

Allele frequency attached by ClinVar (database versions not stated): TOPMed 0.00001.
gnomAD v4.1: 18 of 1,614,240 alleles (0.0011%); highest among the groups gnomAD compares: Non-Finnish European, 0.0015%; no homozygotes.

Submissions (5):

Labcorp Genetics (formerly Invitae), Labcorp
Classification: Uncertain significance for Rhabdoid tumor predisposition syndrome 2. Last evaluated: 2025-08-24. Review status: criteria provided, single submitter. Criteria: Invitae Variant Classification Sherloc (09022015). Collection method: clinical testing. Allele origin: germline.
Comment: This sequence change replaces glutamine, which is neutral and polar, with histidine, which is basic and polar, at codon 575 of the SMARCA4 protein (p.Gln575His). This variant is present in population databases (no rsID available, gnomAD 0.007%). This missense change has been observed in individual(s) with a neurodevelopmental disorder (PMID: 37500730). ClinVar contains an entry for this variant (Variation ID: 573389). Invitae Evidence Modeling of protein sequence and biophysical properties (such as structural, functional, and spatial information, amino acid conservation, physicochemical variation, residue mobility, and thermodynamic stability) has been performed for this missense variant. However, the output from this modeling did not meet the statistical confidence thresholds required to predict the impact of this variant on SMARCA4 protein function. In summary, the available evidence is currently insufficient to determine the role of this variant in disease. Therefore, it has been classified as a Variant of Uncertain Significance.

Ambry Genetics
Classification: Likely benign for Hereditary cancer-predisposing syndrome. Last evaluated: 2024-04-08. Review status: criteria provided, single submitter. Criteria: Ambry Variant Classification Scheme 2023. Collection method: clinical testing. Allele origin: germline.

Baylor Genetics
Classification: Uncertain significance for Rhabdoid tumor predisposition syndrome 2. Last evaluated: 2024-03-14. Review status: criteria provided, single submitter. Criteria: ACMG Guidelines, 2015. Collection method: clinical testing. Allele origin: unknown.

Fulgent Genetics
Classification: Uncertain significance for Rhabdoid tumor predisposition syndrome 2; Intellectual disability, autosomal dominant 16; Otosclerosis 12. Last evaluated: 2024-03-07. Review status: criteria provided, single submitter. Criteria: ACMG Guidelines, 2015. Collection method: clinical testing. Allele origin: germline.

GeneDx
Classification: Uncertain significance. Last evaluated: 2023-03-25. Review status: criteria provided, single submitter. Criteria: GeneDx Variant Classification Process June 2021. Collection method: clinical testing. Allele origin: germline. Affected: yes.
Comment: In silico analysis supports that this missense variant has a deleterious effect on protein structure/function; Has not been previously published as pathogenic or benign to our knowledge

Literature cited by the submitters: PubMed 37500730 (cited by Labcorp Genetics (formerly Invitae), Labcorp).

NM_003072.5(SMARCA4):c.1725G>C (p.Gln575His)

Gene: SMARCA4 (SWI/SNF related BAF chromatin remodeling complex subunit ATPase 4; plus strand). Cytogenetic location: 19p13.2.
Variant type: single nucleotide variant.
Coding change: c.1725G>C on transcript NM_003072.5 (MANE Select); coding-DNA position 1725, G replaced by C.
Protein change: p.Gln575His; replaces glutamine 575 with histidine.
Molecular consequence: missense variant. On other transcripts: non-coding transcript variant (1).
Genome position (GRCh38, 1-based): chr19:10,996,344, G>C. VCF-style: chr19-10996344-G-C. GRCh37 (hg19) VCF-style: chr19-11107020-G-C.
Other names: c.1725G>C, p.Gln575His (NM_001128844.3, NM_001128845.2, NM_001128846.2 and 5 more transcripts); c.1725G>C (NM_001128849.2); short protein forms Q575H.
Identifiers: ClinVar variation 573389 (VCV000573389.17), dbSNP rs1441370371, ClinGen allele CA404064511.